The following is an entry in ClinVar:

NM_001042492.3(NF1):c.4283A>T (p.Asp1428Val)

Gene: NF1 (neurofibromin 1; plus strand). Cytogenetic location: 17q11.2.
Variant type: single nucleotide variant.
Coding change: c.4283A>T on transcript NM_001042492.3 (MANE Select); coding-DNA position 4283, A replaced by T.
Protein change: p.Asp1428Val; replaces aspartic acid 1428 with valine.
Molecular consequence: missense variant.
Genome position (GRCh38, 1-based): chr17:31,258,453, A>T. VCF-style: chr17-31258453-A-T. GRCh37 (hg19) VCF-style: chr17-29585471-A-T.
Other names: c.4220A>T, p.Asp1407Val (NM_000267.4); short protein forms D1407V, D1428V.
Identifiers: ClinVar variation 4615725 (VCV004615725.2).
Genomic context (GRCh38, chr17:31,258,453, plus strand): 5'-CCATGTTCCTCAGATTTATCAATCCTGCCATTGTCTCACCGTATGAAGCAGGGATTTTAG[A>T]TAAAAAGCCACCACCTAGAATCGAAAGGGGCTTGAAGTTAATGTCAAAGGTGAATTATTT-3'
Protein context (NP_001035957.1, residues 1418-1438): IVSPYEAGIL[Asp1428Val]KKPPPRIERG

ClinVar aggregate classification (germline): Uncertain significance. Review status: criteria provided, multiple submitters, no conflicts (2 of 4 stars). 2 submissions from 2 submitters: Uncertain significance (2). Last evaluated 2025-10-13.

Conditions:
Hereditary cancer-predisposing syndrome. Also called: Hereditary neoplastic syndrome; Hereditary Cancer Syndrome; Neoplastic Syndromes, Hereditary; Tumor predisposition. Identifiers: Orphanet 140162, MedGen C0027672, MeSH D009386, MONDO:0015356.
Cardiovascular phenotype. Identifiers: MedGen CN230736.
Neurofibromatosis, type 1 (NF1). Also called: Peripheral type neurofibromatosis; VON RECKLINGHAUSEN DISEASE; Neurofibromatosis, type I; NEUROFIBROMATOSIS, TYPE I, SOMATIC. Identifiers: Orphanet 636, MedGen C0027831, MONDO:0018975, OMIM 162200. Disease mechanism: loss of function.

Submissions (2):

Labcorp Genetics (formerly Invitae), Labcorp
Classification: Uncertain significance for Neurofibromatosis, type 1. Last evaluated: 2025-10-13. Review status: criteria provided, single submitter. Criteria: Invitae Variant Classification Sherloc (09022015). Collection method: clinical testing. Allele origin: germline.
Comment: This sequence change replaces aspartic acid, which is acidic and polar, with valine, which is neutral and non-polar, at codon 1407 of the NF1 protein (p.Asp1407Val). This variant is not present in population databases (gnomAD no frequency). This variant has not been reported in the literature in individuals affected with NF1-related conditions. Invitae Evidence Modeling of protein sequence and biophysical properties (such as structural, functional, and spatial information, amino acid conservation, physicochemical variation, residue mobility, and thermodynamic stability) has been performed for this missense variant. However, the output from this modeling did not meet the statistical confidence thresholds required to predict the impact of this variant on NF1 protein function. In summary, the available evidence is currently insufficient to determine the role of this variant in disease. Therefore, it has been classified as a Variant of Uncertain Significance.

Ambry Genetics
Classification: Uncertain significance for Cardiovascular phenotype; Hereditary cancer-predisposing syndrome. Last evaluated: 2025-09-22. Review status: criteria provided, single submitter. Criteria: Ambry Variant Classification Scheme 2023. Collection method: clinical testing. Allele origin: germline.
Comment: The p.D1407V variant (also known as c.4220A>T), located in coding exon 31 of the NF1 gene, results from an A to T substitution at nucleotide position 4220. The aspartic acid at codon 1407 is replaced by valine, an amino acid with highly dissimilar properties. This amino acid position is conserved. In addition, the in silico prediction for this alteration is inconclusive. Based on the available evidence, the clinical significance of this variant remains unclear.